The following is an entry in ClinVar:

ClinVar aggregate classification (germline): Uncertain significance (1 of 4 stars; one submission).

Allele frequency attached by ClinVar (database versions not stated): TOPMed below 0.00001; gnomAD 0.00003; gnomAD exomes 0.00005 and 0.00009; ExAC 0.00015.
gnomAD v4.1: 76 of 1,612,874 alleles (0.0047%); highest among the groups gnomAD compares: Non-Finnish European, 0.0061%; no homozygotes.

Submission:

Labcorp Genetics (formerly Invitae), Labcorp
Classification: Uncertain significance. Last evaluated: 2019-12-27. Review status: criteria provided, single submitter. Criteria: Invitae Variant Classification Sherloc (09022015). Collection method: clinical testing. Allele origin: germline.
Comment: This sequence change replaces cysteine with serine at codon 77 of the CDC45 protein (p.Cys77Ser). The cysteine residue is highly conserved and there is a moderate physicochemical difference between cysteine and serine. This variant is present in population databases (rs745391711, ExAC 0.03%). In summary, the available evidence is currently insufficient to determine the role of this variant in disease. Therefore, it has been classified as a Variant of Uncertain Significance. Algorithms developed to predict the effect of missense changes on protein structure and function (SIFT, PolyPhen-2, Align-GVGD) all suggest that this variant is likely to be disruptive, but these predictions have not been confirmed by published functional studies and their clinical significance is uncertain. This variant has not been reported in the literature in individuals with CDC45-related conditions.

NM_003504.5(CDC45):c.230G>C (p.Cys77Ser)

Gene: CDC45 (cell division cycle 45; plus strand). Cytogenetic location: 22q11.21.
Variant type: single nucleotide variant.
Coding change: c.230G>C on transcript NM_003504.5 (MANE Select); coding-DNA position 230, G replaced by C.
Protein change: p.Cys77Ser; replaces cysteine 77 with serine.
Molecular consequence: missense variant. On other transcripts: non-coding transcript variant (1), intron variant (1).
Genome position (GRCh38, 1-based): chr22:19,482,715, G>C. VCF-style: chr22-19482715-G-C. GRCh37 (hg19) VCF-style: chr22-19470238-G-C.
Other names: c.230G>C, p.Cys77Ser (NM_001178010.2); c.194G>C, p.Cys65Ser (NM_001369291.1); c.205-1147G>C (NM_001178011.2); short protein forms C77S, C65S.
Identifiers: ClinVar variation 841828 (VCV000841828.9), dbSNP rs745391711, ClinGen allele CA10100982.